The following is an entry in ClinVar:

ClinVar aggregate classification (germline): Uncertain significance. Review status: criteria provided, multiple submitters, no conflicts (2 of 4 stars). 2 submissions from 2 submitters: Uncertain significance (2). Last evaluated 2026-09-01.

Conditions:
Inborn genetic diseases. Identifiers: MedGen C0950123, MeSH D030342.

Submissions (2):

Ambry Genetics
Classification: Uncertain significance for Inborn genetic diseases. Last evaluated: 2026-09-01. Review status: criteria provided, single submitter. Criteria: Ambry Variant Classification Scheme 2023. Collection method: clinical testing. Allele origin: germline.
Comment: The p.R323C variant (also known as c.967C>T), located in coding exon 10 of the DDX41 gene, results from a C to T substitution at nucleotide position 967. The arginine at codon 323 is replaced by cysteine, an amino acid with highly dissimilar properties. This amino acid position is highly conserved in available vertebrate species. In addition, the in silico prediction for this alteration is inconclusive. Based on the available evidence, the clinical significance of this variant remains unclear.

Labcorp Genetics (formerly Invitae), Labcorp
Classification: Uncertain significance. Last evaluated: 2024-06-05. Review status: criteria provided, single submitter. Criteria: Invitae Variant Classification Sherloc (09022015). Collection method: clinical testing. Allele origin: germline.
Comment: This sequence change replaces arginine, which is basic and polar, with cysteine, which is neutral and slightly polar, at codon 323 of the DDX41 protein (p.Arg323Cys). This variant is present in population databases (no rsID available, gnomAD 0.006%). This missense change has been observed in individual(s) with acute myeloid leukemia and/or myelodysplastic syndrome (PMID: 33929502, 35443031, 35671390, 36322930). An algorithm developed to predict the effect of missense changes on protein structure and function (PolyPhen-2) suggests that this variant is likely to be disruptive. In summary, the available evidence is currently insufficient to determine the role of this variant in disease. Therefore, it has been classified as a Variant of Uncertain Significance.

Literature cited by the submitters: PubMed 33929502 (cited by Labcorp Genetics (formerly Invitae), Labcorp); PubMed 35443031 (cited by Labcorp Genetics (formerly Invitae), Labcorp); PubMed 35671390 (cited by Labcorp Genetics (formerly Invitae), Labcorp); PubMed 36322930 (cited by Labcorp Genetics (formerly Invitae), Labcorp).

NM_016222.4(DDX41):c.967C>T (p.Arg323Cys)

Gene: DDX41 (DEAD-box helicase 41; minus strand). Cytogenetic location: 5q35.3.
Variant type: single nucleotide variant.
Coding change: c.967C>T on transcript NM_016222.4 (MANE Select); coding-DNA position 967, C replaced by T.
Protein change: p.Arg323Cys; replaces arginine 323 with cysteine.
Molecular consequence: missense variant.
Genome position (GRCh38, 1-based): chr5:177,513,816, G>A on the plus strand (C>T on the coding strand, the complement: DDX41 is on the minus strand). VCF-style: chr5-177513816-G-A. GRCh37 (hg19) VCF-style: chr5-176940817-G-A.
Other names: c.589C>T, p.Arg197Cys (NM_001321732.2, NM_001321830.2); c.967C>T (NM_016222.2); short protein forms R197C, R323C.
Identifiers: ClinVar variation 3611990 (VCV003611990.3).